The following is an entry in ClinVar:

ClinVar aggregate classification (germline): Pathogenic (1 of 4 stars; one submission).

Conditions:
Ataxia, intention tremor, and hypotonia syndrome, childhood-onset. Identifiers: MedGen C5543478, MONDO:0859158, OMIM 619352.

Submission:

Institute of Human Genetics, FAU Erlangen, Friedrich-Alexander-Universität Erlangen-Nürnberg
Classification: Pathogenic for Ataxia, intention tremor, and hypotonia syndrome, childhood-onset. Last evaluated: 2023-03-29. Review status: criteria provided, single submitter. Criteria: Hauer et al. (Genet Med. 2018). Collection method: clinical testing. Allele origin: germline. Inheritance: Unknown mechanism. Affected: yes. Observed: 1 variant allele.
Comment: This variant has been identified by standard clinical testing. Selected ACMG criteria: Pathogenic (I):PM2;PS2;PVS1

NM_006237.4(POU4F1):c.115dup (p.Thr39fs)

Genes: OBI1-AS1 (OBI1 antisense RNA 1; plus strand), POU4F1 (POU class 4 homeobox 1; minus strand). Cytogenetic location: 13q31.1.
Variant type: Duplication.
Coding change: c.115dup on transcript NM_006237.4 (MANE Select); coding-DNA position 115, one base duplicated (A; older notation c.115dupA).
Protein change: p.Thr39fs; shifts the reading frame from threonine 39.
Molecular consequence: frameshift variant.
Genome position (GRCh38, 1-based): chr13:78,603,212, T duplicated on the plus strand (A on the coding strand, the reverse complement: POU4F1 is on the minus strand). VCF-style (leftmost placement, unchanged base first): chr13-78603211-G-GT. GRCh37 (hg19) VCF-style: chr13-79177346-G-GT.
Other names: short protein forms T39fs.
Identifiers: ClinVar variation 2446056 (VCV002446056.1), dbSNP rs2500902141, ClinGen allele CA2580087756.